The following is an entry in ClinVar:

NM_174899.5(FBXO36):c.151C>T (p.Pro51Ser)

Gene: FBXO36 (F-box protein 36; plus strand). Cytogenetic location: 2q36.3.
Variant type: single nucleotide variant.
Coding change: c.151C>T on transcript NM_174899.5 (MANE Select); coding-DNA position 151, C replaced by T.
Protein change: p.Pro51Ser; replaces proline 51 with serine.
Molecular consequence: missense variant.
Genome position (GRCh38, 1-based): chr2:229,976,295, C>T. VCF-style: chr2-229976295-C-T. GRCh37 (hg19) VCF-style: chr2-230841011-C-T.
Other names: short protein forms P51S.
Identifiers: ClinVar variation 2651989 (VCV002651989.24), dbSNP rs61753284, ClinGen allele CA2153690.

ClinVar aggregate classification (germline): Likely benign (1 of 4 stars; one submission).

Allele frequency attached by ClinVar (database versions not stated): 1000 Genomes Project 30x 0.00281; 1000 Genomes Project 0.00300; gnomAD 0.00449; ExAC 0.00478; TOPMed 0.00496; ESP Exome Variant Server 0.00569; gnomAD exomes 0.00600.
gnomAD v4.1: 9,462 of 1,613,518 alleles (0.59%); highest among the groups gnomAD compares: Middle Eastern, 2.5%; 43 homozygotes.

Submission:

CeGaT Center for Human Genetics Tuebingen
Classification: Likely benign. Last evaluated: 2023-01-01. Review status: criteria provided, single submitter. Criteria: CeGaT Center For Human Genetics Tuebingen Variant Classification Criteria Version 2. Collection method: clinical testing. Allele origin: germline. Affected: yes. Observed: 1 variant allele.
Comment: FBXO36: BS2